The following is an entry in ClinVar:

NM_001014342.3(FLG2):c.3939_3940dup (p.Thr1314fs)

Genes: CCDST (cervical cancer associated DHX9 suppressive transcript; plus strand), FLG2 (filaggrin 2; minus strand). Cytogenetic location: 1q21.3.
Variant type: Duplication.
Coding change: c.3939_3940dup on transcript NM_001014342.3 (MANE Select); coding-DNA positions 3939 to 3940, 2 bases duplicated (TA; older notation c.3939_3940dupTA).
Protein change: p.Thr1314fs; shifts the reading frame from threonine 1314.
Molecular consequence: frameshift variant.
Genome position (GRCh38, 1-based): chr1:152,353,846-152,353,847, TA duplicated on the plus strand (TA on the coding strand, the reverse complement: FLG2 is on the minus strand). VCF-style (leftmost placement, unchanged base first): chr1-152353845-G-GTA. GRCh37 (hg19) VCF-style: chr1-152326321-G-GTA.
Other names: c.3939_3940dup (NM_001014342.2); short protein forms T1314fs.
Identifiers: ClinVar variation 3779671 (VCV003779671.2), dbSNP rs567184084.

ClinVar aggregate classification (germline): Uncertain significance. Review status: criteria provided, multiple submitters, no conflicts (2 of 4 stars). 2 submissions from 2 submitters: Uncertain significance (2). Last evaluated 2025-04-03.

Conditions:
Peeling skin syndrome 6 (PSS6). Identifiers: MedGen C4748093, MONDO:0054852, OMIM 618084.

Submissions (2):

GeneDx
Classification: Uncertain significance. Last evaluated: 2025-04-03. Review status: criteria provided, single submitter. Criteria: GeneDx Variant Classification Process June 2021. Collection method: clinical testing. Allele origin: germline. Affected: yes.
Comment: Frameshift variant predicted to result in abnormal protein length as the last 1078 amino acids are replaced with 222 different amino acids; Has not been previously published as pathogenic or benign to our knowledge

Department of Pathology and Laboratory Medicine, Sinai Health System
Classification: Uncertain significance for Peeling skin syndrome 6. Last evaluated: 2023-03-22. Review status: criteria provided, single submitter. Criteria: ACMG Guidelines, 2015. Collection method: research. Allele origin: germline.